The following is an entry in ClinVar:

NM_000136.3(FANCC):c.1290C>A (p.Tyr430Ter)

Genes: AOPEP (aminopeptidase O (putative); plus strand), FANCC (FA complementation group C; minus strand). Cytogenetic location: 9q22.32.
Variant type: single nucleotide variant.
Coding change: c.1290C>A on transcript NM_000136.3 (MANE Select); coding-DNA position 1290, C replaced by A.
Protein change: p.Tyr430Ter; replaces tyrosine 430 with a stop codon.
Molecular consequence: nonsense.
Genome position (GRCh38, 1-based): chr9:95,111,502, G>T on the plus strand (C>A on the coding strand, the complement: FANCC is on the minus strand). VCF-style: chr9-95111502-G-T. GRCh37 (hg19) VCF-style: chr9-97873784-G-T.
Other names: c.1290C>A, p.Tyr430Ter (NM_001243743.2, NM_001243744.2); short protein forms Y430*.
Identifiers: ClinVar variation 219717 (VCV000219717.11), dbSNP rs766105286, ClinGen allele CA349399.
Genomic context (GRCh38, chr9:95,111,502, plus strand): 5'-GCAGTGGGGCCTGCTACCCACCATAGTCTGTGCTCTCTGCTGCCTCCCATCACGGGGGCC[G>T]TAGTAGAAGGCCAAGAGCCACAGCAGGGCCGTGGGGGGTTCGGCTGCCGACATCAGTAAT-3'

ClinVar aggregate classification (germline): Pathogenic/Likely pathogenic. Review status: criteria provided, multiple submitters, no conflicts (2 of 4 stars). 3 submissions from 3 submitters: Pathogenic (1); Likely pathogenic (1). 1 of the submissions does not count toward it. Last evaluated 2023-11-29.

Conditions:
Fanconi anemia (FA). Also called: Fanconi's anemia. Identifiers: Orphanet 84, MedGen C0015625, MeSH D005199, MONDO:0019391.
Fanconi anemia complementation group C (FANCC). Also called: FANCC-Related Fanconi Anemia; Fanconi anemia, group C; FANCONI PANCYTOPENIA, TYPE 3; FACC. Identifiers: Orphanet 84, MedGen C3468041, MONDO:0009213, OMIM 227645.

Submissions (3):

GeneDx
Classification: Likely pathogenic. Last evaluated: 2023-11-29. Review status: criteria provided, single submitter. Criteria: GeneDx Variant Classification Process June 2021. Collection method: clinical testing. Allele origin: germline. Affected: yes.
Comment: Nonsense variant predicted to result in protein truncation or nonsense mediated decay in a gene for which loss of function is a known mechanism of disease; Not observed at significant frequency in large population cohorts (gnomAD); Observed in a patient with lung cancer (PMID: 36113475); This variant is associated with the following publications: (PMID: 36113475)

Labcorp Genetics (formerly Invitae), Labcorp
Classification: Pathogenic for Fanconi anemia. Last evaluated: 2022-11-01. Review status: criteria provided, single submitter. Criteria: Invitae Variant Classification Sherloc (09022015). Collection method: clinical testing. Allele origin: germline.
Comment: For these reasons, this variant has been classified as Pathogenic. ClinVar contains an entry for this variant (Variation ID: 219717). This variant has not been reported in the literature in individuals affected with FANCC-related conditions. This variant is not present in population databases (gnomAD no frequency). This sequence change creates a premature translational stop signal (p.Tyr430*) in the FANCC gene. It is expected to result in an absent or disrupted protein product. Loss-of-function variants in FANCC are known to be pathogenic (PMID: 17924555).

Counsyl
Classification: Likely pathogenic for Fanconi anemia complementation group C. Last evaluated: 2016-08-29. Review status: no assertion criteria provided. Collection method: clinical testing. Allele origin: unknown. Not counted in ClinVar's aggregate classification.

Literature cited by the submitters: PubMed 17924555 (cited by Labcorp Genetics (formerly Invitae), Labcorp).